The following is an entry in ClinVar:

ClinVar aggregate classification (germline): Likely pathogenic (1 of 4 stars; one submission).

Allele frequency attached by ClinVar (database versions not stated): gnomAD 0.00001; TOPMed below 0.00001.
gnomAD v4.1: 3 of 1,613,858 alleles (0.00019%); highest among the groups gnomAD compares: Admixed American, 0.0017%; no homozygotes.

Submission:

CeGaT Center for Human Genetics Tuebingen
Classification: Likely pathogenic. Last evaluated: 2022-10-01. Review status: criteria provided, single submitter. Criteria: CeGaT Center For Human Genetics Tuebingen Variant Classification Criteria Version 2. Collection method: clinical testing. Allele origin: germline. Affected: yes. Observed: 2 variant alleles.
Comment: APPL1: PVS1:Strong, PM2

NM_012096.3(APPL1):c.1165C>T (p.Arg389Ter)

Gene: APPL1 (adaptor protein, phosphotyrosine interacting with PH domain and leucine zipper 1; plus strand). Cytogenetic location: 3p14.3.
Variant type: single nucleotide variant.
Coding change: c.1165C>T on transcript NM_012096.3 (MANE Select); coding-DNA position 1165, C replaced by T.
Protein change: p.Arg389Ter; replaces arginine 389 with a stop codon.
Molecular consequence: nonsense.
Genome position (GRCh38, 1-based): chr3:57,256,969, C>T. VCF-style: chr3-57256969-C-T. GRCh37 (hg19) VCF-style: chr3-57290997-C-T.
Other names: short protein forms R389*.
Identifiers: ClinVar variation 1879583 (VCV001879583.29), dbSNP rs1344931712, ClinGen allele CA353293971.
Genomic context (GRCh38, chr3:57,256,969, plus strand): 5'-TTTGCTTACTTTACTAATATTAGTCCTTTTTTAAAAAAATTGAAATAGGAAACTGCTGCA[C>T]GAGTAAATCAATCAGCTCTGGAAGCTGTCACTCCTTCCCCATCTTTCCAGCAGAGGCACG-3'